The following is an entry in ClinVar:

NM_000297.4(PKD2):c.228_229del (p.Pro77fs)

Genes: PKD2 (polycystin 2, transient receptor potential cation channel; plus strand), LOC129992813 (ATAC-STARR-seq lymphoblastoid silent region 15559; plus strand). Cytogenetic location: 4q22.1.
Variant type: Microsatellite.
Coding change: c.228_229del on transcript NM_000297.4 (MANE Select); coding-DNA positions 228 to 229, 2 bases deleted (TC; older notation c.228_229delTC).
Protein change: p.Pro77fs; shifts the reading frame from proline 77.
Molecular consequence: frameshift variant. On other transcripts: non-coding transcript variant (1).
Genome position (GRCh38, 1-based): chr4:88,007,961-88,007,962, TC deleted; deleting any 2 consecutive bases within chr4:88,007,959-88,007,962 gives the same sequence; the c. name uses the placement nearest the transcript's 3' end. VCF-style (leftmost placement, unchanged base first): chr4-88007958-TTC-T. GRCh37 (hg19) VCF-style: chr4-88929110-TTC-T.
Other names: c.228_229del, p.Pro77fs (NM_001440544.1); short protein forms P77fs.
Identifiers: ClinVar variation 4845420 (VCV004845420.2).

ClinVar aggregate classification (germline): Pathogenic/Likely pathogenic. Review status: criteria provided, multiple submitters, no conflicts (2 of 4 stars). 2 submissions from 2 submitters: Pathogenic (1); Likely pathogenic (1). Last evaluated 2026-04-29.

Conditions:
Polycystic kidney disease 2 (PKD2). Also called: POLYCYSTIC KIDNEY DISEASE, ADULT, TYPE II; Polycystic Kidney Disease 2, Autosomal Dominant; POLYCYSTIC KIDNEY DISEASE 2 WITH OR WITHOUT POLYCYSTIC LIVER DISEASE. Identifiers: MedGen C2751306, MONDO:0013131, OMIM 613095.
PKD2-related disorder. Also called: PKD2-related condition.

Submissions (2):

Clinical Genetics Laboratory, Skane University Hospital Lund
Classification: Pathogenic for Polycystic kidney disease 2. Last evaluated: 2026-04-29. Review status: criteria provided, single submitter. Criteria: ACMG Guidelines, 2015. Collection method: clinical testing. Allele origin: germline. Affected: yes.
Comment: PVS1, PM2, PP1 and PP4_Strong

Blueprint Genetics
Classification: Likely pathogenic for PKD2-related disorders. Last evaluated: 2024-05-22. Review status: criteria provided, single submitter. Criteria: ACMG Guidelines, 2015. Collection method: clinical testing. Allele origin: germline. Affected: yes. Observed: 1 variant allele.